The following is an entry in ClinVar:

NM_001267550.2(TTN):c.37576A>T (p.Lys12526Ter)

Gene: TTN (titin; minus strand). Cytogenetic location: 2q31.2.
Variant type: single nucleotide variant.
Coding change: c.37576A>T on transcript NM_001267550.2 (MANE Select); coding-DNA position 37576, A replaced by T.
Protein change: p.Lys12526Ter; replaces lysine 12526 with a stop codon.
Molecular consequence: nonsense. On other transcripts: intron variant (5).
Genome position (GRCh38, 1-based): chr2:178,658,519, T>A on the plus strand (A>T on the coding strand, the complement: TTN is on the minus strand). VCF-style: chr2-178658519-T-A. GRCh37 (hg19) VCF-style: chr2-179523246-T-A.
Other names: c.13283-16202A>T (NM_003319.4); c.31741+486A>T (NM_133378.4); c.34522+486A>T (NM_001256850.1); c.13658-16202A>T (NM_133432.3); c.13859-16202A>T (NM_133437.4); short protein forms K12526*.
Identifiers: ClinVar variation 580148 (VCV000580148.9), dbSNP rs1560149950, ClinGen allele CA349483526.
Genomic context (GRCh38, chr2:178,658,519, plus strand): 5'-AATAAATACCTTTTGCACGTGGGGCTTCCGGTTTTTTGGGCACAGCCACAGATGCTTTCT[T>A]TTCAAGTACAACTTCTTTAGGAGCTTCAGGAACTTTGAAGATATTAGTATCTTTTAGTTA-3'

ClinVar aggregate classification (germline): Uncertain significance (1 of 4 stars; one submission).

Conditions:
Dilated cardiomyopathy 1G (CMD1G). Identifiers: Orphanet 154, MedGen C1858763, MONDO:0011400, OMIM 604145.
Autosomal recessive limb-girdle muscular dystrophy type 2J (LGMDR10). Also called: Limb-girdle muscular dystrophy, type 2J; MUSCULAR DYSTROPHY, LIMB-GIRDLE, AUTOSOMAL RECESSIVE 10. Identifiers: Orphanet 140922, MedGen C1837342, MONDO:0012127, OMIM 608807.

Submission:

Labcorp Genetics (formerly Invitae), Labcorp
Classification: Uncertain significance for Dilated cardiomyopathy 1G; Autosomal recessive limb-girdle muscular dystrophy type 2J. Last evaluated: 2021-02-19. Review status: criteria provided, single submitter. Criteria: Invitae Variant Classification Sherloc (09022015). Collection method: clinical testing. Allele origin: germline.
Comment: In summary, the available evidence is currently insufficient to determine the role of this variant in disease. Therefore, it has been classified as a Variant of Uncertain Significance. This variant is located in the I band of TTN (PMID: 25589632). Truncating variants in this region have been shown to be highly prevalent in the general population and unaffected individuals (PMID: 26701604, 22335739). However, truncating variants in this region have also been reported in individuals affected with autosomal recessive centronuclear myopathy (PMID: 23975875). While this variant is not present in population databases, the frequency information is unreliable, as metrics indicate poor data quality at this position in the ExAC database. This sequence change results in a premature translational stop signal in the TTN gene (p.Lys12526*). While this is not anticipated to result in nonsense mediated decay, it is expected to create a truncated TTN protein.

Literature cited by the submitters: PubMed 25589632; PubMed 26701604; PubMed 22335739; PubMed 23975875.